The following is an entry in ClinVar:

ClinVar aggregate classification (germline): Conflicting classifications of pathogenicity. Review status: criteria provided, conflicting classifications (1 of 4 stars). 4 submissions from 4 submitters: Uncertain significance (3); Likely benign (1). Last evaluated 2026-01-20.

Conditions:
Neuroblastoma, susceptibility to, 3. Also called: ALK-Related Neuroblastic Tumor Susceptibility. Identifiers: Orphanet 635, MedGen C2751681, MONDO:0013083, OMIM 613014.
Hereditary cancer-predisposing syndrome. Also called: Hereditary neoplastic syndrome; Neoplastic Syndromes, Hereditary; Hereditary Cancer Syndrome; Tumor predisposition. Identifiers: Orphanet 140162, MedGen C0027672, MeSH D009386, MONDO:0015356.

Allele frequency attached by ClinVar (database versions not stated): TOPMed 0.00002; gnomAD 0.00003; gnomAD exomes 0.00003 and 0.00005; ExAC 0.00007; 1000 Genomes Project 30x 0.00031; 1000 Genomes Project 0.00040.
gnomAD v4.1: 55 of 1,613,904 alleles (0.0034%); highest among the groups gnomAD compares: South Asian, 0.037%; no homozygotes.

Submissions (4):

Labcorp Genetics (formerly Invitae), Labcorp
Classification: Uncertain significance for Neuroblastoma, susceptibility to, 3. Last evaluated: 2026-01-20. Review status: criteria provided, single submitter. Criteria: Invitae Variant Classification Sherloc (09022015). Collection method: clinical testing. Allele origin: germline.
Comment: This sequence change replaces tyrosine, which is neutral and polar, with cysteine, which is neutral and slightly polar, at codon 240 of the ALK protein (p.Tyr240Cys). This variant is present in population databases (rs550608288, gnomAD 0.04%), and has an allele count higher than expected for a pathogenic variant. This variant has not been reported in the literature in individuals affected with ALK-related conditions. ClinVar contains an entry for this variant (Variation ID: 573005). An algorithm developed to predict the effect of missense changes on protein structure and function (PolyPhen-2) suggests that this variant is likely to be tolerated. In summary, the available evidence is currently insufficient to determine the role of this variant in disease. Therefore, it has been classified as a Variant of Uncertain Significance.

Fulgent Genetics
Classification: Uncertain significance for Neuroblastoma, susceptibility to, 3. Last evaluated: 2024-02-22. Review status: criteria provided, single submitter. Criteria: ACMG Guidelines, 2015. Collection method: clinical testing. Allele origin: germline.

Ambry Genetics
Classification: Likely benign for Hereditary cancer-predisposing syndrome. Last evaluated: 2022-06-12. Review status: criteria provided, single submitter. Criteria: Ambry Variant Classification Scheme 2023. Collection method: clinical testing. Allele origin: germline.

ARUP Laboratories, Molecular Genetics and Genomics, ARUP Laboratories
Classification: Uncertain significance for Neuroblastoma, susceptibility to, 3. Last evaluated: 2020-11-10. Review status: criteria provided, single submitter. Criteria: ARUP Molecular Germline Variant Investigation Process 2021. Collection method: clinical testing. Allele origin: germline.
Comment: The ALK c.719A>G; p.Tyr240Cys variant (rs550608288), to our knowledge, is not reported in the medical literature or gene specific databases. This variant is reported in ClinVar (Variation ID: 573005) and is found in the South Asian population with an allele frequency of 0.04% (11/30,616 alleles) in the Genome Aggregation Database. The tyrosine at codon 240 is weakly conserved, and computational analyses predict that this variant is neutral (REVEL: 0.016). Due to limited information, the clinical significance of the p.Tyr240Cys variant is uncertain at this time.

NM_004304.5(ALK):c.719A>G (p.Tyr240Cys)

Gene: ALK (ALK receptor tyrosine kinase; minus strand). Cytogenetic location: 2p23.2.
Variant type: single nucleotide variant.
Coding change: c.719A>G on transcript NM_004304.5 (MANE Select); coding-DNA position 719, A replaced by G.
Protein change: p.Tyr240Cys; replaces tyrosine 240 with cysteine.
Molecular consequence: missense variant.
Genome position (GRCh38, 1-based): chr2:29,717,646, T>C on the plus strand (A>G on the coding strand, the complement: ALK is on the minus strand). VCF-style: chr2-29717646-T-C. GRCh37 (hg19) VCF-style: chr2-29940512-T-C.
Other names: short protein forms Y240C.
Identifiers: ClinVar variation 573005 (VCV000573005.16), dbSNP rs550608288, ClinGen allele CA1594888.
Genomic context (GRCh38, chr2:29,717,646, plus strand): 5'-CTGCGATGAGACAGGAAAGGGAAGGAGTCTTTCATTATCCAGGTGAGATTCCATGTAAAA[T>C]AATCAGGAGAAGGAGAAGGCATGTTTGTTGGTGATTCCAAGGAGCTATGACCTGGACATA-3'
Protein context (NP_004295.2, residues 230-250): PTNMPSPSPD[Tyr240Cys]FTWNLTWIMK